The following is an entry in ClinVar:

ClinVar aggregate classification (germline): Pathogenic (1 of 4 stars; one submission).

Conditions:
Walker-Warburg congenital muscular dystrophy. Also called: Muscular dystrophy-dystroglycanopathy, type A; Walker-Warburg syndrome. Identifiers: Orphanet 899, MedGen C0265221, MONDO:0000171.

Submission:

Labcorp Genetics (formerly Invitae), Labcorp
Classification: Pathogenic for Walker-Warburg congenital muscular dystrophy. Last evaluated: 2022-11-06. Review status: criteria provided, single submitter. Criteria: Invitae Variant Classification Sherloc (09022015). Collection method: clinical testing. Allele origin: unknown.
Comment: For these reasons, this variant has been classified as Pathogenic. This variant has not been reported in the literature in individuals affected with FKTN-related conditions. This variant is a gross deletion of the genomic region encompassing exon(s) 4-6 of the FKTN gene. This deletion is out-of-frame, and is expected to create a premature termination codon and result in an absent or disrupted protein product. Loss-of-function variants in FKTN are known to be pathogenic (PMID: 17044012, 17878207, 18752264).

Literature cited by the submitters: PubMed 17044012; PubMed 17878207; PubMed 18752264.

NC_000009.11:g.(?_108358859)_(108366793_?)del

Gene: FKTN (fukutin; plus strand). Cytogenetic location: 9q31.2.
Variant type: Deletion.
Identifiers: ClinVar variation 3245100 (VCV003245100.1).